The following is an entry in ClinVar:

NM_000352.6(ABCC8):c.2501G>A (p.Arg834His)

Gene: ABCC8 (ATP binding cassette subfamily C member 8; minus strand). Cytogenetic location: 11p15.1.
Variant type: single nucleotide variant.
Coding change: c.2501G>A on transcript NM_000352.6 (MANE Select); coding-DNA position 2501, G replaced by A.
Protein change: p.Arg834His; replaces arginine 834 with histidine.
Molecular consequence: missense variant. On other transcripts: non-coding transcript variant (1).
Genome position (GRCh38, 1-based): chr11:17,412,721, C>T on the plus strand (G>A on the coding strand, the complement: ABCC8 is on the minus strand). VCF-style: chr11-17412721-C-T. GRCh37 (hg19) VCF-style: chr11-17434268-C-T.
Other names: c.2504G>A, p.Arg835His (NM_001287174.3); c.2567G>A, p.Arg856His (NM_001351295.2); c.2501G>A, p.Arg834His (NM_001351296.2); c.2498G>A, p.Arg833His (NM_001351297.2); short protein forms R833H, R834H, R835H, R856H.
Identifiers: ClinVar variation 3389384 (VCV003389384.15).
Genomic context (GRCh38, chr11:17,412,721, plus strand): 5'-CTCACCAAGAAGACAACGTTGGCGTGCTGGTAGAGGGCTCGGGCCACACTGATTCGCTGG[C>T]GTTGACCACCAGACAGGTTGATGCCCTGTCACCAAAGAGGAGGAACACATCATGCCCTCA-3'
Protein context (NP_000343.2, residues 824-844): ERGINLSGGQ[Arg834His]QRISVARALY

ClinVar aggregate classification (germline): Uncertain significance. Review status: criteria provided, multiple submitters, no conflicts (2 of 4 stars). 2 submissions from 2 submitters: Uncertain significance (2). Last evaluated 2025-06-27.

gnomAD v4.1: 34 of 1,611,300 alleles (0.0021%); highest among the groups gnomAD compares: Admixed American, 0.0067%; no homozygotes.

Submissions (2):

Labcorp Genetics (formerly Invitae), Labcorp
Classification: Uncertain significance. Last evaluated: 2025-06-27. Review status: criteria provided, single submitter. Criteria: Invitae Variant Classification Sherloc (09022015). Collection method: clinical testing. Allele origin: germline.
Comment: This sequence change replaces arginine, which is basic and polar, with histidine, which is basic and polar, at codon 834 of the ABCC8 protein (p.Arg834His). This variant is present in population databases (rs758462294, gnomAD 0.01%). This variant has not been reported in the literature in individuals affected with ABCC8-related conditions. ClinVar contains an entry for this variant (Variation ID: 3389384). Invitae Evidence Modeling of protein sequence and biophysical properties (such as structural, functional, and spatial information, amino acid conservation, physicochemical variation, residue mobility, and thermodynamic stability) has been performed for this missense variant. However, the output from this modeling did not meet the statistical confidence thresholds required to predict the impact of this variant on ABCC8 protein function. In summary, the available evidence is currently insufficient to determine the role of this variant in disease. Therefore, it has been classified as a Variant of Uncertain Significance.

CeGaT Center for Human Genetics Tuebingen
Classification: Uncertain significance. Last evaluated: 2024-11-01. Review status: criteria provided, single submitter. Criteria: CeGaT Center For Human Genetics Tuebingen Variant Classification Criteria Version 2. Collection method: clinical testing. Allele origin: germline. Affected: yes. Observed: 1 variant allele.
Comment: ABCC8: PM2